The following is an entry in ClinVar:

NM_024513.4(FYCO1):c.4271G>A (p.Arg1424Gln)

Gene: FYCO1 (FYVE and coiled-coil domain autophagy adaptor 1; minus strand). Cytogenetic location: 3p21.31.
Variant type: single nucleotide variant.
Coding change: c.4271G>A on transcript NM_024513.4 (MANE Select); coding-DNA position 4271, G replaced by A.
Protein change: p.Arg1424Gln; replaces arginine 1424 with glutamine.
Molecular consequence: missense variant.
Genome position (GRCh38, 1-based): chr3:45,923,746, C>T on the plus strand (G>A on the coding strand, the complement: FYCO1 is on the minus strand). VCF-style: chr3-45923746-C-T. GRCh37 (hg19) VCF-style: chr3-45965238-C-T.
Other names: short protein forms R1424Q.
Identifiers: ClinVar variation 430961 (VCV000430961.10), dbSNP rs140159323, ClinGen allele CA2352342.

ClinVar aggregate classification (germline): Conflicting classifications of pathogenicity. Review status: criteria provided, conflicting classifications (1 of 4 stars). 3 submissions from 3 submitters: Pathogenic (1); Uncertain significance (2). Last evaluated 2022-02-23.

Conditions:
Cataract 18 (CATC2). Also called: CATARACT 18, AUTOSOMAL RECESSIVE. Identifiers: Orphanet 91492, Orphanet 98991, Orphanet 98992, Orphanet 98995, MedGen C1864908, MONDO:0012395, OMIM 610019.

Allele frequency attached by ClinVar (database versions not stated): ExAC 0.00012; gnomAD exomes 0.00013 and 0.00015; TOPMed 0.00014; ESP Exome Variant Server 0.00015; gnomAD 0.00016 and 0.00019.
gnomAD v4.1: 240 of 1,613,834 alleles (0.015%); highest among the groups gnomAD compares: Non-Finnish European, 0.017%; no homozygotes.

Submissions (3):

Labcorp Genetics (formerly Invitae), Labcorp
Classification: Uncertain significance for Cataract 18. Last evaluated: 2022-02-23. Review status: criteria provided, single submitter. Criteria: Invitae Variant Classification Sherloc (09022015). Collection method: clinical testing. Allele origin: germline.
Comment: This sequence change replaces arginine, which is basic and polar, with glutamine, which is neutral and polar, at codon 1424 of the FYCO1 protein (p.Arg1424Gln). This variant is present in population databases (rs140159323, gnomAD 0.02%). This variant has not been reported in the literature in individuals affected with FYCO1-related conditions. ClinVar contains an entry for this variant (Variation ID: 430961). Algorithms developed to predict the effect of missense changes on protein structure and function (SIFT, PolyPhen-2, Align-GVGD) all suggest that this variant is likely to be disruptive. In summary, the available evidence is currently insufficient to determine the role of this variant in disease. Therefore, it has been classified as a Variant of Uncertain Significance.

Illumina Laboratory Services, Illumina
Classification: Uncertain significance for Cataract 18. Last evaluated: 2018-01-12. Review status: criteria provided, single submitter. Criteria: ICSL Variant Classification Criteria 13 December 2019. Collection method: clinical testing. Allele origin: germline.

HudsonAlpha Institute for Biotechnology
Classification: Pathogenic for Cataract 18. Last evaluated: 2015-10-09. Review status: criteria provided, single submitter. Criteria: HA_assertions_20150911. Collection method: research. Allele origin: paternal. Affected: yes. Observed: 1 variant allele. Study: CSER-HudsonAlpha.